The following is an entry in ClinVar:

NM_000138.5(FBN1):c.5746T>G (p.Cys1916Gly)

Gene: FBN1 (fibrillin 1; minus strand). Cytogenetic location: 15q21.1.
Variant type: single nucleotide variant.
Coding change: c.5746T>G on transcript NM_000138.5 (MANE Select); coding-DNA position 5746, T replaced by G.
Protein change: p.Cys1916Gly; replaces cysteine 1916 with glycine.
Molecular consequence: missense variant.
Genome position (GRCh38, 1-based): chr15:48,446,748, A>C on the plus strand (T>G on the coding strand, the complement: FBN1 is on the minus strand). VCF-style: chr15-48446748-A-C. GRCh37 (hg19) VCF-style: chr15-48738945-A-C.
Other names: short protein forms C1916G.
Identifiers: ClinVar variation 963629 (VCV000963629.10), dbSNP rs794728238, ClinGen allele CA392341183.

ClinVar aggregate classification (germline): Pathogenic (1 of 4 stars; one submission).

Conditions:
Marfan syndrome (MFS). Also called: FBN1-Related Marfan Syndrome; MARFAN SYNDROME, TYPE I; Marfan syndrome type 1; Marfan's syndrome; Marfan syndrome, classic. Identifiers: Orphanet 284963, Orphanet 558, MedGen C0024796, MONDO:0007947, OMIM 154700.
Familial thoracic aortic aneurysm and aortic dissection (TAAD). Also called: Thoracic aortic aneurysms and dissections. Identifiers: Orphanet 91387, MedGen C4707243, MONDO:0019625.

Submission:

Labcorp Genetics (formerly Invitae), Labcorp
Classification: Pathogenic for Marfan syndrome; Familial thoracic aortic aneurysm and aortic dissection. Last evaluated: 2022-03-01. Review status: criteria provided, single submitter. Criteria: Invitae Variant Classification Sherloc (09022015). Collection method: clinical testing. Allele origin: germline.
Comment: This sequence change replaces cysteine, which is neutral and slightly polar, with glycine, which is neutral and non-polar, at codon 1916 of the FBN1 protein (p.Cys1916Gly). This variant is not present in population databases (gnomAD no frequency). This variant has not been reported in the literature in individuals affected with FBN1-related conditions. ClinVar contains an entry for this variant (Variation ID: 963629). Advanced modeling of protein sequence and biophysical properties (such as structural, functional, and spatial information, amino acid conservation, physicochemical variation, residue mobility, and thermodynamic stability) performed at Invitae indicates that this missense variant is expected to disrupt FBN1 protein function. This variant affects a cysteine residue in the EGF-like, TGFBP or hybrid motif domains of FBN1. Cysteine residues are believed to be involved in intramolecular disulfide bridges and have been shown to be important for FBN1 protein structure (PMID: 16905551, 19349279). In addition, missense substitutions affecting cysteine residues within these domains are significantly overrepresented among patients with Marfan syndrome (PMID: 16571647, 17701892). This variant disrupts the p.Cys1916 amino acid residue in FBN1. Other variant(s) that disrupt this residue have been observed in individuals with FBN1-related conditions (PMID: 19293843, 24793577), which suggests that this may be a clinically significant amino acid residue. For these reasons, this variant has been classified as Pathogenic.

Literature cited by the submitters: PubMed 16905551; PubMed 19349279; PubMed 16571647; PubMed 17701892; PubMed 19293843; PubMed 24793577.